The following is an entry in ClinVar:

NM_152327.5(AK7):c.436C>T (p.Arg146Ter)

Gene: AK7 (adenylate kinase 7; plus strand). Cytogenetic location: 14q32.2.
Variant type: single nucleotide variant.
Coding change: c.436C>T on transcript NM_152327.5 (MANE Select); coding-DNA position 436, C replaced by T.
Protein change: p.Arg146Ter; replaces arginine 146 with a stop codon.
Molecular consequence: nonsense.
Genome position (GRCh38, 1-based): chr14:96,408,879, C>T. VCF-style: chr14-96408879-C-T. GRCh37 (hg19) VCF-style: chr14-96875216-C-T.
Other names: c.436C>T, p.Arg146Ter (NM_001350888.2, NM_001350890.2, NM_001350891.2 and 1 more transcripts); short protein forms R146*.
Identifiers: ClinVar variation 2785927 (VCV002785927.3), dbSNP rs374342939, ClinGen allele CA7337478.

ClinVar aggregate classification (germline): Uncertain significance (1 of 4 stars; one submission).

Allele frequency attached by ClinVar (database versions not stated): gnomAD exomes below 0.00001; ExAC 0.00001; gnomAD 0.00001; TOPMed 0.00001; ESP Exome Variant Server 0.00008.
gnomAD v4.1: 9 of 1,614,078 alleles (0.00056%); highest among the groups gnomAD compares: African/African-American, 0.004%; no homozygotes.

Submission:

Labcorp Genetics (formerly Invitae), Labcorp
Classification: Uncertain significance. Last evaluated: 2023-11-03. Review status: criteria provided, single submitter. Criteria: Invitae Variant Classification Sherloc (09022015). Collection method: clinical testing. Allele origin: germline.
Comment: This sequence change creates a premature translational stop signal (p.Arg146*) in the AK7 gene. It is expected to result in an absent or disrupted protein product. However, the current clinical and genetic evidence is not sufficient to establish whether loss-of-function variants in AK7 cause disease. This variant is present in population databases (rs374342939, gnomAD 0.004%). This variant has not been reported in the literature in individuals affected with AK7-related conditions. In summary, the available evidence is currently insufficient to determine the role of this variant in disease. Therefore, it has been classified as a Variant of Uncertain Significance.